The following is an entry in ClinVar:

NM_014989.7(RIMS1):c.3554+2T>C

Gene: RIMS1 (regulating synaptic membrane exocytosis 1; plus strand). Cytogenetic location: 6q13.
Variant type: single nucleotide variant.
Coding change: c.3554+2T>C on transcript NM_014989.7 (MANE Select); the canonical splice donor site of the intron after coding-DNA position 3554, T replaced by C.
Molecular consequence: splice donor variant. On other transcripts: intron variant (33).
Genome position (GRCh38, 1-based): chr6:72,284,120, T>C. VCF-style: chr6-72284120-T-C. GRCh37 (hg19) VCF-style: chr6-72993823-T-C.
Other names: c.1631+2T>C (NM_001350428.2); c.1560-7814T>C (NM_001350459.2, NM_001350424.2); c.1641-7814T>C (NM_001350437.2); c.1628+2T>C (NM_001350430.2); c.1557-7814T>C (NM_001350421.2, NM_001350450.2); c.1707-7814T>C (NM_001350458.2); c.1784+2T>C (NM_001350433.2); c.1700+2T>C (NM_001350446.2, NM_001350442.2, NM_001350416.2 and 2 more transcripts); and 30 more.
Identifiers: ClinVar variation 942418 (VCV000942418.8), dbSNP rs2091423571, ClinGen allele CA364688683.

ClinVar aggregate classification (germline): Uncertain significance (1 of 4 stars; one submission).

Submission:

Labcorp Genetics (formerly Invitae), Labcorp
Classification: Uncertain significance. Last evaluated: 2022-07-11. Review status: criteria provided, single submitter. Criteria: Invitae Variant Classification Sherloc (09022015). Collection method: clinical testing. Allele origin: germline.
Comment: In summary, the available evidence is currently insufficient to determine the role of this variant in disease. Therefore, it has been classified as a Variant of Uncertain Significance. Algorithms developed to predict the effect of sequence changes on RNA splicing suggest that this variant may disrupt the consensus splice site. ClinVar contains an entry for this variant (Variation ID: 942418). This variant has not been reported in the literature in individuals affected with RIMS1-related conditions. This variant is not present in population databases (gnomAD no frequency). This sequence change affects a donor splice site in intron 24 of the RIMS1 gene. It is expected to disrupt RNA splicing. Variants that disrupt the donor or acceptor splice site typically lead to a loss of protein function (PMID: 16199547), however the current clinical and genetic evidence is not sufficient to establish whether loss-of-function variants in RIMS1 cause disease.

Literature cited by the submitters: PubMed 16199547.